The following is an entry in ClinVar:

ClinVar aggregate classification (germline): Benign (1 of 4 stars; one submission).

Conditions:
Familial cancer of breast. Also called: Hereditary breast cancer; BREAST CANCER, FAMILIAL; hereditary breast carcinoma. Identifiers: Orphanet 227535, MedGen C0346153, MONDO:0016419, OMIM 114480. Disease mechanism: loss of function.

Submission:

Myriad Genetics, Inc.
Classification: Benign for Familial cancer of breast. Last evaluated: 2024-10-09. Review status: criteria provided, single submitter. Criteria: Myriad Autosomal Dominant, Autosomal Recessive and X-Linked Classification Criteria (2023). Collection method: clinical testing. Allele origin: unknown.
Comment: This variant is considered benign. This variant occurs in the non-coding 3' untranslated region of the gene, and is not expected to impact protein function.

NM_007194.4(CHEK2):c.*1A>G

Gene: CHEK2 (checkpoint kinase 2; minus strand). Cytogenetic location: 22q12.1.
Variant type: single nucleotide variant.
Coding change: c.*1A>G on transcript NM_007194.4 (MANE Select); 1 bases downstream of the stop codon, A replaced by G.
Molecular consequence: 3 prime UTR variant.
Genome position (GRCh38, 1-based): chr22:28,687,896, T>C on the plus strand (A>G on the coding strand, the complement: CHEK2 is on the minus strand). VCF-style: chr22-28687896-T-C. GRCh37 (hg19) VCF-style: chr22-29083884-T-C.
Other names: c.*1A>G (NM_001005735.3, NM_001257387.3, NM_001349956.3 and 1 more transcripts).
Identifiers: ClinVar variation 3772831 (VCV003772831.1).